The following is an entry in ClinVar:

ClinVar aggregate classification (germline): Uncertain significance (1 of 4 stars; one submission).

Submission:

Ambry Genetics
Classification: Uncertain significance. Last evaluated: 2025-01-27. Review status: criteria provided, single submitter. Criteria: Ambry Variant Classification Scheme 2023. Collection method: clinical testing. Allele origin: germline.
Comment: The p.K517Q variant (also known as c.1549A>C), located in coding exon 9 of the PALLD gene, results from an A to C substitution at nucleotide position 1549. The lysine at codon 517 is replaced by glutamine, an amino acid with similar properties. This amino acid position is conserved. In addition, the in silico prediction for this alteration is inconclusive. Based on the available evidence, the clinical significance of this variant remains unclear.

NM_001166108.2(PALLD):c.3061A>C (p.Lys1021Gln)

Genes: CBR4 (carbonyl reductase 4; minus strand), PALLD (palladin, cytoskeletal associated protein; plus strand). Cytogenetic location: 4q32.3.
Variant type: single nucleotide variant.
Coding change: c.3061A>C on transcript NM_001166108.2 (MANE Select); coding-DNA position 3061, A replaced by C.
Protein change: p.Lys1021Gln; replaces lysine 1021 with glutamine.
Molecular consequence: missense variant.
Genome position (GRCh38, 1-based): chr4:168,924,257, A>C. VCF-style: chr4-168924257-A-C. GRCh37 (hg19) VCF-style: chr4-169845408-A-C.
Other names: c.1864A>C, p.Lys622Gln (NM_001166109.2); c.1549A>C, p.Lys517Gln (NM_001166110.2); c.889A>C, p.Lys297Gln (NM_001367567.1, NM_001367569.1); c.940A>C, p.Lys314Gln (NM_001367568.1, NM_001367570.1); c.3010A>C, p.Lys1004Gln (NM_016081.4); short protein forms K297Q, K622Q, K314Q, K517Q, K1004Q, K1021Q.
Identifiers: ClinVar variation 3885319 (VCV003885319.1).
Genomic context (GRCh38, chr4:168,924,257, plus strand): 5'-TCTTTCTAGTGCTCCTTTTGTATATCATTGATAGAGAATTCATCTCATGTTTTCTTAGCT[A>C]AAGAAGCACACAAACCCCCTGTGTTTATTGAGAAGCTCCAAAACACAGGAGTTGCTGATG-3'
Protein context (NP_001159580.1, residues 1011-1031): SFSLELVVAA[Lys1021Gln]EAHKPPVFIE